The following is an entry in ClinVar:

NM_007294.4(BRCA1):c.179del (p.Gln60fs)

Gene: BRCA1 (BRCA1 DNA repair associated; minus strand). Cytogenetic location: 17q21.31.
Variant type: Deletion.
Coding change: c.179del on transcript NM_007294.4 (MANE Select); coding-DNA position 179, one base deleted (A; older notation c.179delA).
Protein change: p.Gln60fs; shifts the reading frame from glutamine 60.
Molecular consequence: frameshift variant. On other transcripts: non-coding transcript variant (1).
Genome position (GRCh38, 1-based): chr17:43,106,489, T deleted on the plus strand (A on the coding strand, the reverse complement: BRCA1 is on the minus strand). VCF-style (leftmost placement, unchanged base first): chr17-43106488-CT-C. GRCh37 (hg19) VCF-style: chr17-41258505-CT-C.
Other names: 298delA; c.38delA, p.Gln13Argfs (NM_001407936.1, NM_001407942.1, NM_001407943.1 and 98 more transcripts); c.179delA, p.Gln60Argfs (NM_001407937.1, NM_001407938.1, NM_001407939.1 and 167 more transcripts); c.-10delA (NM_001407946.1, NM_001407947.1, NM_001407948.1 and 58 more transcripts); c.38del, p.Gln13fs (NM_007297.4); c.179del, p.Gln60fs (NM_007299.4, NM_007300.4); short protein forms Q13fs, Q60fs.
Identifiers: ClinVar variation 54353 (VCV000054353.8), dbSNP rs80357591, ClinGen allele CA001169.

ClinVar aggregate classification (germline): Pathogenic. Review status: reviewed by expert panel (3 of 4 stars). 6 submissions from 6 submitters: Pathogenic (1). 5 of the submissions do not count toward it. Last evaluated 2016-09-08.

Conditions:
Hereditary cancer-predisposing syndrome. Also called: Tumor predisposition; Neoplastic Syndromes, Hereditary; Hereditary Cancer Syndrome; Hereditary neoplastic syndrome. Identifiers: Orphanet 140162, MedGen C0027672, MeSH D009386, MONDO:0015356.
Hereditary breast ovarian cancer syndrome. Also called: Hereditary breast and ovarian cancer syndrome (HBOC); Hereditary breast and ovarian cancer syndrome; Hereditary breast and ovarian cancer; Hereditary breast and/or ovarian cancer syndrome; Breast and ovarian cancer; BRCA1- and BRCA2-Associated Hereditary Breast and Ovarian Cancer. Identifiers: Orphanet 145, MedGen C0677776, MeSH D061325, MONDO:0003582. Disease mechanism: loss of function.
Breast-ovarian cancer, familial, susceptibility to, 1 (BROVCA1). Also called: OVARIAN CANCER, SUSCEPTIBILITY TO; BRCA1 Hereditary Breast and Ovarian Cancer. Identifiers: Orphanet 145, MedGen C2676676, MONDO:0011450, OMIM 604370. Disease mechanism: loss of function.

Submissions (6):

Evidence-based Network for the Interpretation of Germline Mutant Alleles (ENIGMA)
Classification: Pathogenic for Breast-ovarian cancer, familial, susceptibility to, 1. Last evaluated: 2016-09-08. Review status: reviewed by expert panel. Criteria: ENIGMA BRCA1/2 Classification Criteria (2015). Collection method: curation. Allele origin: germline.
Comment: Variant allele predicted to encode a truncated non-functional protein.

Labcorp Genetics (formerly Invitae), Labcorp
Classification: Pathogenic for Hereditary breast ovarian cancer syndrome. Last evaluated: 2022-12-06. Review status: criteria provided, single submitter. Criteria: Invitae Variant Classification Sherloc (09022015). Collection method: clinical testing. Allele origin: germline. Not counted in ClinVar's aggregate classification.
Comment: For these reasons, this variant has been classified as Pathogenic. ClinVar contains an entry for this variant (Variation ID: 54353). This variant has not been reported in the literature in individuals affected with BRCA1-related conditions. This variant is not present in population databases (gnomAD no frequency). This sequence change creates a premature translational stop signal (p.Gln60Argfs*9) in the BRCA1 gene. It is expected to result in an absent or disrupted protein product. Loss-of-function variants in BRCA1 are known to be pathogenic (PMID: 20104584).

Color Diagnostics, LLC DBA Color Health
Classification: Pathogenic for Hereditary cancer-predisposing syndrome. Last evaluated: 2021-03-11. Review status: criteria provided, single submitter. Criteria: ACMG Guidelines, 2015. Collection method: clinical testing. Allele origin: germline. Not counted in ClinVar's aggregate classification.
Comment: This variant deletes 1 nucleotide in exon 4 of the BRCA1 gene, creating a frameshift and premature translation stop signal. This variant is expected to result in an absent or non-functional protein product. To our knowledge, this variant has not been reported in individuals affected with hereditary cancer in the literature. This variant has not been identified in the general population by the Genome Aggregation Database (gnomAD). Loss of BRCA1 function is a known mechanism of disease. Based on the available evidence, this variant is classified as Pathogenic.

Research Molecular Genetics Laboratory, Women's College Hospital, University of Toronto
Classification: Pathogenic for Hereditary breast ovarian cancer syndrome. Last evaluated: 2014-01-31. Review status: no assertion criteria provided. Collection method: research. Allele origin: germline. Affected: yes. Study: The Canadian Open Genetics Repository (COGR). Not counted in ClinVar's aggregate classification.

Sharing Clinical Reports Project (SCRP)
Classification: Pathogenic for Breast-ovarian cancer, familial 1. Last evaluated: 2012-05-01. Review status: no assertion criteria provided. Collection method: clinical testing. Allele origin: germline. Not counted in ClinVar's aggregate classification.

Breast Cancer Information Core (BIC) (BRCA1)
Classification: Pathogenic for Breast-ovarian cancer, familial 1. Last evaluated: 2002-05-29. Review status: no assertion criteria provided. Collection method: clinical testing. Allele origin: germline. Affected: yes. Observed: 1 variant allele. Not counted in ClinVar's aggregate classification.

Literature cited by the submitters: PubMed 20104584 (cited by Labcorp Genetics (formerly Invitae), Labcorp).